The following is an entry in ClinVar:

NC_000023.10:g.(?_31227595)_(33229429_?)del

Gene: DMD (dystrophin; minus strand). Cytogenetic location: Xp21.2-21.1.
Variant type: Deletion.
Identifiers: ClinVar variation 2424876 (VCV002424876.5).

ClinVar aggregate classification (germline): Pathogenic (1 of 4 stars; one submission).

Conditions:
Duchenne muscular dystrophy (DMD). Also called: Duchenne Muscular Dystrophy (DMD); MUSCULAR DYSTROPHY, PSEUDOHYPERTROPHIC PROGRESSIVE, DUCHENNE TYPE. Identifiers: Orphanet 98896, MedGen C0013264, MONDO:0010679, OMIM 310200.

Submission:

Labcorp Genetics (formerly Invitae), Labcorp
Classification: Pathogenic for Duchenne muscular dystrophy. Last evaluated: 2022-05-09. Review status: criteria provided, single submitter. Criteria: Invitae Variant Classification Sherloc (09022015). Collection method: clinical testing. Allele origin: germline.
Comment: This variant is a gross deletion of the genomic region encompassing exon(s) 1-65 of the DMD gene, which includes the initiator codon. This deletion extends beyond the assayed region for this gene and therefore may encompass additional genes. It is expected to result in an absent or disrupted protein product. Loss-of-function variants in DMD are known to be pathogenic (PMID: 16770791, 25007885). This variant has not been reported in the literature in individuals affected with DMD-related conditions. For these reasons, this variant has been classified as Pathogenic.

Literature cited by the submitters: PubMed 16770791; PubMed 25007885.